The following is an entry in ClinVar:

NM_005236.3(ERCC4):c.2617A>G (p.Ile873Val)

Gene: ERCC4 (ERCC excision repair 4, endonuclease catalytic subunit; plus strand). Cytogenetic location: 16p13.12.
Variant type: single nucleotide variant.
Coding change: c.2617A>G on transcript NM_005236.3 (MANE Select); coding-DNA position 2617, A replaced by G.
Protein change: p.Ile873Val; replaces isoleucine 873 with valine.
Molecular consequence: missense variant.
Genome position (GRCh38, 1-based): chr16:13,948,213, A>G. VCF-style: chr16-13948213-A-G. GRCh37 (hg19) VCF-style: chr16-14042070-A-G.
Other names: short protein forms I873V.
Identifiers: ClinVar variation 134135 (VCV000134135.49), dbSNP rs2020957, ClinGen allele CA158867.

ClinVar aggregate classification (germline): Benign/Likely benign. Review status: criteria provided, multiple submitters, no conflicts (2 of 4 stars). 11 submissions from 11 submitters: Benign (4); Likely benign (6). 1 of the submissions does not count toward it. Last evaluated 2026-01-28.

Conditions:
Xeroderma pigmentosum, group F (XPF). Also called: XERODERMA PIGMENTOSUM VI; XP, GROUP F; XERODERMA PIGMENTOSUM, TYPE F; Xeroderma pigmentosum, type 6; XERODERMA PIGMENTOSUM, COMPLEMENTATION GROUP F; ERCC4-Related Xeroderma Pigmentosum. Identifiers: MedGen C0268140, MONDO:0010215, OMIM 278760.
Cockayne syndrome. Identifiers: Orphanet 191, MedGen C0009207, MONDO:0016006.
Fanconi anemia complementation group Q. Identifiers: Orphanet 84, MedGen C3808988, MONDO:0014108, OMIM 615272.
Xeroderma pigmentosum (XP). Identifiers: Orphanet 910, MedGen C0043346, MONDO:0019600.

Allele frequency attached by ClinVar (database versions not stated): gnomAD exomes 0.00054 and 0.00155; ExAC 0.00178; 1000 Genomes Project 0.00519; 1000 Genomes Project 30x 0.00562; gnomAD 0.00577 and 0.00625; ESP Exome Variant Server 0.00608; TOPMed 0.00635.
gnomAD v4.1: 1,705 of 1,614,196 alleles (0.11%); highest among the groups gnomAD compares: African/African-American, 2%; 11 homozygotes.

Submissions (11):

Labcorp Genetics (formerly Invitae), Labcorp
Classification: Benign for Fanconi anemia complementation group Q; Xeroderma pigmentosum, group F; Cockayne syndrome. Last evaluated: 2026-01-28. Review status: criteria provided, single submitter. Criteria: Invitae Variant Classification Sherloc (09022015). Collection method: clinical testing. Allele origin: germline.

CeGaT Center for Human Genetics Tuebingen
Classification: Likely benign. Last evaluated: 2025-11-01. Review status: criteria provided, single submitter. Criteria: CeGaT Center For Human Genetics Tuebingen Variant Classification Criteria Version 2. Collection method: clinical testing. Allele origin: germline. Affected: yes. Observed: 3 variant alleles.
Comment: ERCC4: BP4, BS1

Blueprint Genetics
Classification: Likely benign. Last evaluated: 2024-11-13. Review status: criteria provided, single submitter. Criteria: ACMG Guidelines, 2015. Collection method: clinical testing. Allele origin: germline.

ARUP Laboratories, Molecular Genetics and Genomics, ARUP Laboratories
Classification: Likely benign. Last evaluated: 2024-07-19. Review status: criteria provided, single submitter. Criteria: ARUP Molecular Germline Variant Investigation Process 2024. Collection method: clinical testing. Allele origin: germline.

KCCC/NGS Laboratory, Kuwait Cancer Control Center
Classification: Benign for Xeroderma pigmentosum, group F. Last evaluated: 2023-07-07. Review status: criteria provided, single submitter. Criteria: ACMG Guidelines, 2015. Collection method: clinical testing. Allele origin: germline. Affected: yes.

Sema4
Classification: Benign for Xeroderma pigmentosum. Last evaluated: 2021-02-07. Review status: criteria provided, single submitter. Criteria: Sema4 Curation Guidelines. Collection method: curation. Allele origin: germline.

Genetic Services Laboratory, University of Chicago
Classification: Benign. Last evaluated: 2018-12-14. Review status: criteria provided, single submitter. Criteria: ACMG Guidelines, 2015. Collection method: clinical testing. Allele origin: germline. Affected: no.

Center for Pediatric Genomic Medicine, Children's Mercy Hospital and Clinics
Classification: Likely benign. Last evaluated: 2017-06-19. Review status: criteria provided, single submitter. Criteria: ACMG Guidelines, 2015. Collection method: clinical testing. Allele origin: germline.

Illumina Laboratory Services, Illumina
Classification: Likely benign for Xeroderma pigmentosum, group F. Last evaluated: 2017-04-28. Review status: criteria provided, single submitter. Criteria: ICSL Variant Classification Criteria 13 December 2019. Collection method: clinical testing. Allele origin: germline.
Comment: This variant was observed as part of a predisposition screen in an ostensibly healthy population. A literature search was performed for the gene, cDNA change, and amino acid change (where applicable). No publications were found based on this search. Allele frequency data from public databases allowed determination this variant is unlikely to cause disease. Therefore, this variant is classified as likely benign.

Breakthrough Genomics
Classification: Likely benign. Review status: criteria provided, single submitter. Criteria: ACMG Guidelines, 2015. Collection method: not provided. Allele origin: germline. Inheritance: Autosomal recessive inheritance. Affected: yes.

ITMI
No classification provided. Condition: AllHighlyPenetrant. Last evaluated: 2013-09-19. Review status: no classification provided. Collection method: reference population. Allele origin: germline. Not counted in ClinVar's aggregate classification.
Comment: Please see associated publication for description of ethnicities

Literature cited by the submitters: PubMed 24728327 (cited by ITMI).